The following is an entry in ClinVar:

ClinVar aggregate classification (germline): Uncertain significance. Review status: criteria provided, multiple submitters, no conflicts (2 of 4 stars). 4 submissions from 4 submitters: Uncertain significance (4). Last evaluated 2025-10-01.

Conditions:
Hereditary nonpolyposis colorectal neoplasms. Identifiers: MedGen C0009405, MeSH D003123.
Hereditary cancer-predisposing syndrome. Also called: Tumor predisposition; Hereditary Cancer Syndrome; Hereditary neoplastic syndrome; Neoplastic Syndromes, Hereditary. Identifiers: Orphanet 140162, MedGen C0027672, MeSH D009386, MONDO:0015356.
Breast and/or ovarian cancer. Identifiers: MedGen CN221562.

Submissions (4):

Labcorp Genetics (formerly Invitae), Labcorp
Classification: Uncertain significance for Hereditary nonpolyposis colorectal neoplasms. Last evaluated: 2025-10-01. Review status: criteria provided, single submitter. Criteria: Invitae Variant Classification Sherloc (09022015). Collection method: clinical testing. Allele origin: germline.
Comment: This sequence change replaces threonine, which is neutral and polar, with alanine, which is neutral and non-polar, at codon 499 of the PMS2 protein (p.Thr499Ala). This variant is not present in population databases (gnomAD no frequency). This variant has not been reported in the literature in individuals affected with PMS2-related conditions. ClinVar contains an entry for this variant (Variation ID: 411029). Invitae Evidence Modeling incorporating data from in vitro experimental studies (internal data) indicates that this missense variant is not expected to disrupt PMS2 function with a negative predictive value of 95%. In summary, the available evidence is currently insufficient to determine the role of this variant in disease. Therefore, it has been classified as a Variant of Uncertain Significance.

Ambry Genetics
Classification: Uncertain significance for Hereditary cancer-predisposing syndrome. Last evaluated: 2024-11-16. Review status: criteria provided, single submitter. Criteria: Ambry Variant Classification Scheme 2023. Collection method: clinical testing. Allele origin: germline.
Comment: The p.T499A variant (also known as c.1495A>G), located in coding exon 11 of the PMS2 gene, results from an A to G substitution at nucleotide position 1495. The threonine at codon 499 is replaced by alanine, an amino acid with similar properties. This amino acid position is not well conserved in available vertebrate species. In addition, this alteration is predicted to be tolerated by in silico analysis. Since supporting evidence is limited at this time, the clinical significance of this alteration remains unclear.

GeneDx
Classification: Uncertain significance. Last evaluated: 2021-09-30. Review status: criteria provided, single submitter. Criteria: GeneDx Variant Classification Process June 2021. Collection method: clinical testing. Allele origin: germline. Affected: yes.
Comment: Has not been previously published as pathogenic or benign to our knowledge; Not observed in large population cohorts (Lek 2016); In silico analysis supports that this missense variant does not alter protein structure/function; This variant is associated with the following publications: (PMID: 25801821, 22949387)

CHEO Genetics Diagnostic Laboratory, Children's Hospital of Eastern Ontario
Classification: Uncertain significance for Breast and/or ovarian cancer. Last evaluated: 2021-06-09. Review status: criteria provided, single submitter. Criteria: ACMG Guidelines, 2015. Collection method: clinical testing. Allele origin: germline.

NM_000535.7(PMS2):c.1495A>G (p.Thr499Ala)

Gene: PMS2 (PMS1 homolog 2, mismatch repair system component; minus strand). Cytogenetic location: 7p22.1.
Variant type: single nucleotide variant.
Coding change: c.1495A>G on transcript NM_000535.7 (MANE Select); coding-DNA position 1495, A replaced by G.
Protein change: p.Thr499Ala; replaces threonine 499 with alanine.
Molecular consequence: missense variant. On other transcripts: non-coding transcript variant (1).
Genome position (GRCh38, 1-based): chr7:5,987,270, T>C on the plus strand (A>G on the coding strand, the complement: PMS2 is on the minus strand). VCF-style: chr7-5987270-T-C. GRCh37 (hg19) VCF-style: chr7-6026901-T-C.
Other names: c.1090A>G, p.Thr364Ala (NM_001322003.2, NM_001322004.2, NM_001322005.2 and 1 more transcripts); c.1339A>G, p.Thr447Ala (NM_001322006.2); c.1177A>G, p.Thr393Ala (NM_001322007.2, NM_001322008.2); c.934A>G, p.Thr312Ala (NM_001322010.2); c.562A>G, p.Thr188Ala (NM_001322011.2, NM_001322012.2); c.922A>G, p.Thr308Ala (NM_001322013.2); c.1495A>G, p.Thr499Ala (NM_001322014.2); c.1186A>G, p.Thr396Ala (NM_001322015.2); short protein forms T499A, T312A, T364A, T308A, T447A, T188A, T396A, T393A.
Identifiers: ClinVar variation 411029 (VCV000411029.19), dbSNP rs1060503117, ClinGen allele CA16612124.